The following is an entry in ClinVar:

ClinVar aggregate classification (germline): Uncertain significance (1 of 4 stars; one submission).

Submission:

Laboratory for Molecular Medicine, Mass General Brigham Personalized Medicine
Classification: Uncertain significance. Last evaluated: 2017-04-12. Review status: criteria provided, single submitter. Criteria: LMM Criteria. Collection method: clinical testing. Allele origin: germline. Observed: 1 variant allele.
Comment: The p.Glu597_Leu598delinsAspLeuAlaLeuGlyLeuLysIle (NM138477.2 c.1791_1792delinsT CTTGCCCTGGGCTTGAAGA) variant in CDAN1 has not been reported in individuals with Congenital dyserythropoietic anaemia. It has been identified in 2/111708 Europea n chromosomes by the Genome Aggregation Database (gnomAD; dbSNP rs759000974 and rs767149931); note, this variant is represente d as two independent events in gnomAD. This variant is a deletion of 2 amino aci ds and an insertion of 8 amino acids at position 597 and is not predicted to alt er the protein reading-frame. However, it is unclear if this insertion/deletion will impact the protein. In summary, the clinical significance of the p.Glu597_L eu598delinsAspLeuAlaLeuGlyLeuLysIle variant is uncertain.

NM_138477.4(CDAN1):c.1791_1792delinsTCTTGCCCTGGGCTTGAAGA (p.Glu597_Leu598delinsAspLeuAlaLeuGlyLeuLysIle)

Gene: CDAN1 (codanin 1; minus strand). Cytogenetic location: 15q15.2.
Variant type: Indel.
Coding change: c.1791_1792delinsTCTTGCCCTGGGCTTGAAGA on transcript NM_138477.4 (MANE Select); coding-DNA positions 1791 to 1792, GC replaced by TCTTGCCCTGGGCTTGAAGA.
Protein change: p.Glu597_Leu598delinsAspLeuAlaLeuGlyLeuLysIle.
Molecular consequence: inframe indel.
Genome position (GRCh38, 1-based): chr15:42,731,279-42,731,280, GC replaced by TCTTCAAGCCCAGGGCAAGA on the plus strand (GC replaced by TCTTGCCCTGGGCTTGAAGA on the coding strand, the reverse complement: CDAN1 is on the minus strand). VCF-style: chr15-42731279-GC-TCTTCAAGCCCAGGGCAAGA. GRCh37 (hg19) VCF-style: chr15-43023477-GC-TCTTCAAGCCCAGGGCAAGA.
Identifiers: ClinVar variation 517361 (VCV000517361.4), dbSNP rs1555415486, ClinGen allele CA658798306.